The following is an entry in ClinVar:

NM_004618.5(TOP3A):c.2903G>A (p.Arg968Gln)

Gene: TOP3A (DNA topoisomerase III alpha; minus strand). Cytogenetic location: 17p11.2.
Variant type: single nucleotide variant.
Coding change: c.2903G>A on transcript NM_004618.5 (MANE Select); coding-DNA position 2903, G replaced by A.
Protein change: p.Arg968Gln; replaces arginine 968 with glutamine.
Molecular consequence: missense variant.
Genome position (GRCh38, 1-based): chr17:18,274,905, C>T on the plus strand (G>A on the coding strand, the complement: TOP3A is on the minus strand). VCF-style: chr17-18274905-C-T. GRCh37 (hg19) VCF-style: chr17-18178219-C-T.
Other names: c.2618G>A, p.Arg873Gln (NM_001320759.2); short protein forms R968Q, R873Q.
Identifiers: ClinVar variation 2078143 (VCV002078143.1), dbSNP rs754772043, ClinGen allele CA8429484.

ClinVar aggregate classification (germline): Uncertain significance (1 of 4 stars; one submission).

Allele frequency attached by ClinVar (database versions not stated): gnomAD 0.00005; ExAC 0.00007.

Submission:

Labcorp Genetics (formerly Invitae), Labcorp
Classification: Uncertain significance. Last evaluated: 2022-08-09. Review status: criteria provided, single submitter. Criteria: Invitae Variant Classification Sherloc (09022015). Collection method: clinical testing. Allele origin: germline.
Comment: This sequence change replaces arginine, which is basic and polar, with glutamine, which is neutral and polar, at codon 968 of the TOP3A protein (p.Arg968Gln). The frequency data for this variant in the population databases is considered unreliable, as metrics indicate poor data quality at this position in the gnomAD database. This variant has not been reported in the literature in individuals affected with TOP3A-related conditions. Algorithms developed to predict the effect of missense changes on protein structure and function are either unavailable or do not agree on the potential impact of this missense change (SIFT: "Not Available"; PolyPhen-2: "Benign"; Align-GVGD: "Not Available"). In summary, the available evidence is currently insufficient to determine the role of this variant in disease. Therefore, it has been classified as a Variant of Uncertain Significance.